The following is an entry in ClinVar:

ClinVar aggregate classification (germline): Uncertain significance (1 of 4 stars; one submission).

Conditions:
Progressive microcephaly-seizures-cortical blindness-developmental delay syndrome. Also called: Seizures, cortical blindness, and microcephaly syndrome. Identifiers: Orphanet 477814, MedGen C5567650, MONDO:0014714, OMIM 616632.
Autosomal dominant nonsyndromic hearing loss 1. Also called: KONIGSMARK SYNDROME; DEAFNESS, AUTOSOMAL DOMINANT 1, WITH OR WITHOUT THROMBOCYTOPENIA. Identifiers: Orphanet 90635, MedGen C1852282, MONDO:0007424, OMIM 124900.

Submission:

Juno Genomics, Hangzhou Juno Genomics, Inc
Classification: Uncertain significance for Progressive microcephaly-seizures-cortical blindness-developmental delay syndrome; Autosomal dominant nonsyndromic hearing loss 1. Review status: criteria provided, single submitter. Criteria: ACMG Guidelines, 2015. Collection method: clinical testing. Allele origin: germline.
Comment: Absent from controls (or at extremely low frequency if recessive) in Genome Aggregation Database.;Null variant in a gene where loss of function (LOF) is a known mechanism of disease.

NM_005219.5(DIAPH1):c.2358+1G>A

Gene: DIAPH1 (diaphanous related formin 1; minus strand). Cytogenetic location: 5q31.3.
Variant type: single nucleotide variant.
Coding change: c.2358+1G>A on transcript NM_005219.5 (MANE Select); the canonical splice donor site of the intron after coding-DNA position 2358, G replaced by A.
Molecular consequence: splice donor variant.
Genome position (GRCh38, 1-based): chr5:141,573,491, C>T on the plus strand (G>A on the coding strand, the complement: DIAPH1 is on the minus strand). VCF-style: chr5-141573491-C-T. GRCh37 (hg19) VCF-style: chr5-140953058-C-T.
Other names: c.2331+1G>A (NM_001079812.3); c.2358+1G>A (NM_001314007.2).
Identifiers: ClinVar variation 5019510 (VCV005019510.2).